The following is an entry in ClinVar:

NM_015443.4(KANSL1):c.2204-4T>A

Gene: KANSL1 (KAT8 regulatory NSL complex subunit 1). Cytogenetic location: 17q21.31.
Variant type: single nucleotide variant.
Coding change: c.2204-4T>A on transcript NM_015443.4 (MANE Select); 4 bases into the intron before coding-DNA position 2204, T replaced by A.
Molecular consequence: intron variant.
Genome position (GRCh38, 1-based): chr17:46,039,219, A>T on the plus strand (T>A on the coding strand, the complement: KANSL1 is on the minus strand). VCF-style: chr17-46039219-A-T. GRCh37 (hg19) VCF-style: chr17-44116585-A-T.
Other names: c.937+483T>A (NM_001405885.1, NM_001405884.1); c.938-4T>A (NM_001405883.1, NM_001405882.1); c.2204-4T>A (NM_001193465.2, NM_001405872.1, NM_001379198.1 and 8 more transcripts); c.2203+483T>A (NM_001405878.1, NM_001405876.1, NM_001405880.1 and 3 more transcripts); c.2102-4T>A (NM_001405860.1, NM_001405881.1, NM_001405861.1 and 1 more transcripts).
Identifiers: ClinVar variation 3341299 (VCV003341299.1).
Genomic context (GRCh38, chr17:46,039,219, plus strand): 5'-CATCGTCTAAGTGCTGCCTGTGGGTCCTGTCAGGCCGGGTTTGGTGATGGGACAGCTCTG[A>T]AGAGGGGAACAGAAAAAGAGCTGTGAAATATGTCCTCTCAAATATTTTCTTATTCGAGTT-3'

ClinVar aggregate classification (germline): Uncertain significance (1 of 4 stars; one submission).

Conditions:
Koolen-de Vries syndrome (KDVS). Identifiers: Orphanet 96169, MedGen C1864871, MONDO:0012496, OMIM 610443.

Submission:

Neuberg Centre For Genomic Medicine, NCGM
Classification: Uncertain significance for Koolen-de Vries syndrome. Last evaluated: 2023-05-20. Review status: criteria provided, single submitter. Criteria: ACMG Guidelines, 2015. Collection method: clinical testing. Allele origin: germline. Inheritance: Autosomal dominant inheritance. Affected: yes.
Comment: The splice site c.2204-4T>A variant in KANSL1 gene has not been reported previously as a pathogenic variant nor as a benign variant, to our knowledge. The variant is absent in gnomAD Exomes. This splice region variant in intron 8 affects the position four nucleotides upstream of exon 9. The spliceAI tool predicts the variant to be Benign. Further evidence will be required to prove the pathogenicity. For these reasons, this variant has been classified as Uncertain Significance (VUS).